The following is an entry in ClinVar:

ClinVar aggregate classification (germline): Pathogenic (1 of 4 stars; one submission).

Conditions:
Andersen Tawil syndrome (LQT7). Also called: ANDERSEN CARDIODYSRHYTHMIC PERIODIC PARALYSIS; Potassium-sensitive periodic paralysis, ventricular ectopy, and dysmorphic features; LONG QT SYNDROME 7; Andersen Syndrome; PERIODIC PARALYSIS, POTASSIUM-SENSITIVE CARDIODYSRHYTHMIC TYPE. Identifiers: Orphanet 37553, MedGen C1563715, MONDO:0008222, OMIM 170390.
Short QT syndrome type 3. Identifiers: Orphanet 51083, MedGen C1865018, MONDO:0012314, OMIM 609622.

Submission:

Labcorp Genetics (formerly Invitae), Labcorp
Classification: Pathogenic for Short QT syndrome type 3; Andersen Tawil syndrome. Last evaluated: 2019-05-28. Review status: criteria provided, single submitter. Criteria: Invitae Variant Classification Sherloc (09022015). Collection method: clinical testing. Allele origin: unknown.
Comment: For these reasons, this variant has been classified as Pathogenic. Loss-of-function variants in KCNJ2 are known to be pathogenic (PMID: 12163457, 19862833, 22166941, 22186697). This variant has not been reported in the literature in individuals with KCNJ2-related conditions. This variant is a deletion of the genomic region encompassing part of exon 2 (c.-217+1029_422del) of the KCNJ2 gene. This is expected to result in an absent or disrupted protein product.

Literature cited by the submitters: PubMed 12163457; PubMed 19862833; PubMed 22166941; PubMed 22186697.

NC_000017.10:g.(?_68166871)_(68171602_?)del

Gene: KCNJ2 (potassium inwardly rectifying channel subfamily J member 2; plus strand). Cytogenetic location: 17q24.3.
Variant type: Deletion.
Identifiers: ClinVar variation 3243061 (VCV003243061.1).